The following is an entry in ClinVar:

NM_001127496.3(SPRY4):c.228G>A (p.Pro76=)

Gene: SPRY4 (sprouty RTK signaling antagonist 4; minus strand). Cytogenetic location: 5q31.3.
Variant type: single nucleotide variant.
Coding change: c.228G>A on transcript NM_001127496.3 (MANE Select); coding-DNA position 228, G replaced by A.
Protein change: p.Pro76=; no amino-acid change (proline 76 retained).
Molecular consequence: synonymous variant.
Genome position (GRCh38, 1-based): chr5:142,314,881, C>T on the plus strand (G>A on the coding strand, the complement: SPRY4 is on the minus strand). VCF-style: chr5-142314881-C-T. GRCh37 (hg19) VCF-style: chr5-141694446-C-T.
Other names: c.228G>A, p.Pro76= (NM_001293289.3, NM_001293290.3); c.297G>A, p.Pro99= (NM_030964.5).
Identifiers: ClinVar variation 3051564 (VCV003051564.2), dbSNP rs373229909, ClinGen allele CA3485598.
Genomic context (GRCh38, chr5:142,314,881, plus strand): 5'-GGGGCGCCCGCTGAAGGAGATCCAATGGTGGGTGACATCCTGGTCACAGCGGGCGGGCGT[C>T]GGGGCCAGCTCTGGGGCCCCGCCCCGGGTCCGCTTTGGGCCGGTGGTCAGGGCCAGGCTA-3'
Protein context (NP_001120968.1, residues 66-86): RTRGGAPELA[Pro76=]TPARCDQDVT

ClinVar aggregate classification (germline): Likely benign (0 of 4 stars; one submission).

Conditions:
SPRY4-related disorder. Also called: SPRY4-related condition.

Allele frequency attached by ClinVar (database versions not stated): TOPMed 0.00002; ExAC 0.00003; gnomAD 0.00004; gnomAD exomes 0.00007; ESP Exome Variant Server 0.00008; 1000 Genomes Project 30x 0.00031; 1000 Genomes Project 0.00040.
gnomAD v4.1: 99 of 1,599,392 alleles (0.0062%); highest among the groups gnomAD compares: Middle Eastern, 0.017%; no homozygotes.

Submission:

PreventionGenetics, part of Exact Sciences
Classification: Likely benign for SPRY4-related condition. Last evaluated: 2019-03-20. Review status: no assertion criteria provided. Collection method: clinical testing. Allele origin: germline.
Comment: This variant is classified as likely benign based on ACMG/AMP sequence variant interpretation guidelines (Richards et al. 2015 PMID: 25741868, with internal and published modifications).